The following is an entry in ClinVar:

NM_001367624.2(ZNF469):c.10000G>C (p.Asp3334His)

Genes: ZNF469 (zinc finger protein 469; plus strand), LOC130059719 (ATAC-STARR-seq lymphoblastoid silent region 7848; plus strand). Cytogenetic location: 16q24.2.
Variant type: single nucleotide variant.
Coding change: c.10000G>C on transcript NM_001367624.2 (MANE Select); coding-DNA position 10000, G replaced by C.
Protein change: p.Asp3334His; replaces aspartic acid 3334 with histidine.
Molecular consequence: missense variant.
Genome position (GRCh38, 1-based): chr16:88,437,470, G>C. VCF-style: chr16-88437470-G-C. GRCh37 (hg19) VCF-style: chr16-88503878-G-C.
Other names: short protein forms D3334H.
Identifiers: ClinVar variation 2067099 (VCV002067099.4), dbSNP rs1906675163, ClinGen allele CA397125412.
Genomic context (GRCh38, chr16:88,437,470, plus strand): 5'-GACCCCTGGGCCGGCGGGGAGCCCCTCCTGCAAGCCACCCCGGTGCACGAGGCCTGCAAG[G>C]ACCCCTCCCGCGACTGCCACCACTGCGGGAAGCGCTTCCCCAAGCCCTTCAAGCTGCAGC-3'
Protein context (NP_001354553.1, residues 3324-3344): QATPVHEACK[Asp3334His]PSRDCHHCGK

ClinVar aggregate classification (germline): Uncertain significance (1 of 4 stars; one submission).

gnomAD v4.1: 3 of 1,535,784 alleles (0.0002%); highest among the groups gnomAD compares: Non-Finnish European, 0.00026%; no homozygotes.

Submission:

Labcorp Genetics (formerly Invitae), Labcorp
Classification: Uncertain significance. Last evaluated: 2021-12-30. Review status: criteria provided, single submitter. Criteria: Invitae Variant Classification Sherloc (09022015). Collection method: clinical testing. Allele origin: germline.
Comment: Algorithms developed to predict the effect of missense changes on protein structure and function are either unavailable or do not agree on the potential impact of this missense change (SIFT: "Deleterious"; PolyPhen-2: "Probably Damaging"; Align-GVGD: "Class C0"). In summary, the available evidence is currently insufficient to determine the role of this variant in disease. Therefore, it has been classified as a Variant of Uncertain Significance. This variant has not been reported in the literature in individuals affected with ZNF469-related conditions. This variant is not present in population databases (gnomAD no frequency). This sequence change replaces aspartic acid, which is acidic and polar, with histidine, which is basic and polar, at codon 3306 of the ZNF469 protein (p.Asp3306His).